The following is an entry in ClinVar:

ClinVar aggregate classification (germline): Uncertain significance (1 of 4 stars; one submission).

Conditions:
Combined immunodeficiency due to ORAI1 deficiency. Also called: IMMUNODEFICIENCY 9. Identifiers: Orphanet 169090, Orphanet 317428, MedGen C2748568, MONDO:0013007, OMIM 612782.
Myopathy, tubular aggregate, 2 (TAM2). Identifiers: MedGen C4014557, MONDO:0014383, OMIM 615883.

Submission:

Labcorp Genetics (formerly Invitae), Labcorp
Classification: Uncertain significance for Myopathy, tubular aggregate, 2; Combined immunodeficiency due to ORAI1 deficiency. Last evaluated: 2024-03-31. Review status: criteria provided, single submitter. Criteria: Invitae Variant Classification Sherloc (09022015). Collection method: clinical testing. Allele origin: germline.
Comment: This sequence change replaces alanine, which is neutral and non-polar, with threonine, which is neutral and polar, at codon 103 of the ORAI1 protein (p.Ala103Thr). The frequency data for this variant in the population databases is considered unreliable, as metrics indicate poor data quality at this position in the gnomAD database. This variant has not been reported in the literature in individuals affected with ORAI1-related conditions. Experimental studies and prediction algorithms are not available or were not evaluated, and the functional significance of this variant is currently unknown. In summary, the available evidence is currently insufficient to determine the role of this variant in disease. Therefore, it has been classified as a Variant of Uncertain Significance.

NC_000012.12:g.121641044G>A

Gene: ORAI1 (ORAI calcium release-activated calcium modulator 1; plus strand). Cytogenetic location: 12q24.31.
Variant type: single nucleotide variant.
Molecular consequence: non-coding transcript variant (on NR_186857.1).
Genome position: GRCh38 VCF-style: chr12-121641044-G-A. GRCh37 (hg19) VCF-style: chr12-122078950-G-A.
Identifiers: ClinVar variation 3755612 (VCV003755612.2).
Genomic context (GRCh38, chr12:121,641,044, plus strand): 5'-GAAGAGTAGTAGTGTGGGCTGGGACCGCTGGCACTCATCCTGCCTGTCCCCCCGCAGGTG[G>A]CAATGGTGGAGGTGCAGCTGGACGCTGACCACGACTACCCACCGGGGCTGCTCATCGCCT-3'